The following is an entry in ClinVar:

ClinVar aggregate classification (germline): Uncertain significance (1 of 4 stars; one submission).

Conditions:
Pheochromocytoma. Also called: MAX-Related Hereditary Paraganglioma-Pheochromocytoma Syndrome. Identifiers: Orphanet 29072, MedGen C0031511, MONDO:0008233, OMIM 171300, HP:0002666.
Pheochromocytoma/paraganglioma syndrome 4. Also called: CAROTID BODY TUMORS AND MULTIPLE EXTRAADRENAL PHEOCHROMOCYTOMAS; PARAGANGLIOMA, FAMILIAL MALIGNANT; PARAGANGLIOMAS, HEREDITARY EXTRAADRENAL; PHEOCHROMOCYTOMA, FAMILIAL EXTRAADRENAL; Paragangliomas 4; SDHB-Related Hereditary Paraganglioma-Pheochromocytoma Syndrome (Paragangliomas 4). Identifiers: Orphanet 29072, MedGen C1861848, MONDO:0007273, OMIM 115310.
Gastrointestinal stromal tumor. Also called: Gastrointestinal stroma tumor; Gastrointestinal stromal tumor, somatic. Identifiers: Orphanet 44890, MedGen C0238198, MeSH D046152, MONDO:0011719, OMIM 606764, HP:0100723.

Submission:

Labcorp Genetics (formerly Invitae), Labcorp
Classification: Uncertain significance for Gastrointestinal stromal tumor; Pheochromocytoma/paraganglioma syndrome 4; Pheochromocytoma. Last evaluated: 2022-02-03. Review status: criteria provided, single submitter. Criteria: Invitae Variant Classification Sherloc (09022015). Collection method: clinical testing. Allele origin: germline.
Comment: In summary, the available evidence is currently insufficient to determine the role of this variant in disease. Therefore, it has been classified as a Variant of Uncertain Significance. Advanced modeling of protein sequence and biophysical properties (such as structural, functional, and spatial information, amino acid conservation, physicochemical variation, residue mobility, and thermodynamic stability) performed at Invitae indicates that this missense variant is not expected to disrupt SDHB protein function. This variant has not been reported in the literature in individuals affected with SDHB-related conditions. This variant is not present in population databases (gnomAD no frequency). This sequence change replaces lysine, which is basic and polar, with asparagine, which is neutral and polar, at codon 159 of the SDHB protein (p.Lys159Asn).

NM_003000.3(SDHB):c.477G>C (p.Lys159Asn)

Gene: SDHB (succinate dehydrogenase complex iron sulfur subunit B; minus strand). Cytogenetic location: 1p36.13.
Variant type: single nucleotide variant.
Coding change: c.477G>C on transcript NM_003000.3 (MANE Select); coding-DNA position 477, G replaced by C.
Protein change: p.Lys159Asn; replaces lysine 159 with asparagine.
Molecular consequence: missense variant.
Genome position (GRCh38, 1-based): chr1:17,027,812, C>G on the plus strand (G>C on the coding strand, the complement: SDHB is on the minus strand). VCF-style: chr1-17027812-C-G. GRCh37 (hg19) VCF-style: chr1-17354307-C-G.
Other names: c.423G>C, p.Lys141Asn (NM_001407361.1); short protein forms K141N, K159N.
Identifiers: ClinVar variation 2092454 (VCV002092454.4), dbSNP rs2101521741, ClinGen allele CA338272858.